The following is an entry in ClinVar:

ClinVar aggregate classification (germline): Uncertain significance. Review status: criteria provided, multiple submitters, no conflicts (2 of 4 stars). 3 submissions from 3 submitters: Uncertain significance (3). Last evaluated 2023-06-19.

Conditions:
Inborn genetic diseases. Identifiers: MedGen C0950123, MeSH D030342.
Schwartz-Jampel syndrome type 1 (SJS1). Also called: MYOTONIC MYOPATHY, DWARFISM, CHONDRODYSTROPHY, AND OCULAR AND FACIAL ABNORMALITIES; CHONDRODYSTROPHIC MYOTONIA. Identifiers: MedGen C4551479, MONDO:0100435, OMIM 255800.
Lethal Kniest-like syndrome (DDSH). Also called: Dyssegmental Dysplasia. Identifiers: Orphanet 1865, MedGen C1857100, MONDO:0009140, OMIM 224410.

Allele frequency attached by ClinVar (database versions not stated): ExAC 0.00005.
gnomAD v4.1: 28 of 1,611,626 alleles (0.0017%); highest among the groups gnomAD compares: Middle Eastern, 0.016%; no homozygotes.

Submissions (3):

Labcorp Genetics (formerly Invitae), Labcorp
Classification: Uncertain significance. Last evaluated: 2023-06-19. Review status: criteria provided, single submitter. Criteria: Invitae Variant Classification Sherloc (09022015). Collection method: clinical testing. Allele origin: germline.
Comment: This variant is present in population databases (rs750738902, gnomAD 0.03%). In summary, the available evidence is currently insufficient to determine the role of this variant in disease. Therefore, it has been classified as a Variant of Uncertain Significance. An algorithm developed to predict the effect of missense changes on protein structure and function (PolyPhen-2) suggests that this variant is likely to be disruptive. ClinVar contains an entry for this variant (Variation ID: 2171007). This variant has not been reported in the literature in individuals affected with HSPG2-related conditions. This sequence change replaces valine, which is neutral and non-polar, with methionine, which is neutral and non-polar, at codon 2414 of the HSPG2 protein (p.Val2414Met).

Ambry Genetics
Classification: Uncertain significance for Inborn genetic diseases. Last evaluated: 2022-01-07. Review status: criteria provided, single submitter. Criteria: Ambry Variant Classification Scheme 2023. Collection method: clinical testing. Allele origin: germline.

Juno Genomics, Hangzhou Juno Genomics, Inc
Classification: Uncertain significance for Schwartz-Jampel syndrome type 1; Lethal Kniest-like syndrome. Review status: criteria provided, single submitter. Criteria: ACMG Guidelines, 2015. Collection method: clinical testing. Allele origin: germline.
Comment: Absent from controls (or at extremely low frequency if recessive) in Genome Aggregation Database.;Missense variant in a gene that has a low rate of benign missense variation.

NM_005529.7(HSPG2):c.7240G>A (p.Val2414Met)

Gene: HSPG2 (heparan sulfate proteoglycan 2; minus strand). Cytogenetic location: 1p36.12.
Variant type: single nucleotide variant.
Coding change: c.7240G>A on transcript NM_005529.7 (MANE Select); coding-DNA position 7240, G replaced by A.
Protein change: p.Val2414Met; replaces valine 2414 with methionine.
Molecular consequence: missense variant.
Genome position (GRCh38, 1-based): chr1:21,850,417, C>T on the plus strand (G>A on the coding strand, the complement: HSPG2 is on the minus strand). VCF-style: chr1-21850417-C-T. GRCh37 (hg19) VCF-style: chr1-22176910-C-T.
Other names: c.7243G>A, p.Val2415Met (NM_001291860.2); c.7240G>A (NM_005529.5); short protein forms V2414M, V2415M.
Identifiers: ClinVar variation 2171007 (VCV002171007.5), dbSNP rs750738902, ClinGen allele CA671263.
Genomic context (GRCh38, chr1:21,850,417, plus strand): 5'-ACTCACCAGGCACTGAGCCCGCAGGCTCAATGGTGACCAGGACAGAGGCCTCTAGAGGCA[C>T]GGAGCTGCCCAACACTCGGCACACGTACTCGCCCGAGTCGGCGGGGGACGCTTGGTAGAG-3'
Protein context (NP_005520.4, residues 2404-2424): EYVCRVLGSS[Val2414Met]PLEASVLVTI